The following is an entry in ClinVar:

NM_021913.5(AXL):c.541G>T (p.Ala181Ser)

Gene: AXL (AXL receptor tyrosine kinase; plus strand). Cytogenetic location: 19q13.2.
Variant type: single nucleotide variant.
Coding change: c.541G>T on transcript NM_021913.5 (MANE Select); coding-DNA position 541, G replaced by T.
Protein change: p.Ala181Ser; replaces alanine 181 with serine.
Molecular consequence: missense variant.
Genome position (GRCh38, 1-based): chr19:41,222,011, G>T. VCF-style: chr19-41222011-G-T. GRCh37 (hg19) VCF-style: chr19-41727916-G-T.
Other names: c.541G>T, p.Ala181Ser (NM_001699.6); short protein forms A181S.
Identifiers: ClinVar variation 713542 (VCV000713542.7), dbSNP rs200904022, ClinGen allele CA9457960.

ClinVar aggregate classification (germline): Likely benign. Review status: criteria provided, multiple submitters, no conflicts (2 of 4 stars). 2 submissions from 2 submitters: Likely benign (2). Last evaluated 2026-02-06.

Conditions:
AXL-related disorder. Also called: AXL-related condition.

Allele frequency attached by ClinVar (database versions not stated): gnomAD exomes 0.00004 and 0.00019; gnomAD 0.00007; TOPMed 0.00015; 1000 Genomes Project 30x 0.00016; 1000 Genomes Project 0.00020; ExAC 0.00033.

Submissions (2):

PreventionGenetics, part of Exact Sciences
Classification: Likely benign for AXL-related condition. Last evaluated: 2026-02-06. Review status: criteria provided, single submitter. Criteria: ACMG Guidelines, 2015. Collection method: clinical testing. Allele origin: germline.
Comment: This variant is classified as likely benign based on ACMG/AMP sequence variant interpretation guidelines (Richards et al. 2015 PMID: 25741868, with internal and published modifications).

Labcorp Genetics (formerly Invitae), Labcorp
Classification: Likely benign. Last evaluated: 2025-06-30. Review status: criteria provided, single submitter. Criteria: Invitae Variant Classification Sherloc (09022015). Collection method: clinical testing. Allele origin: germline.